The following is an entry in ClinVar:

NM_000153.4(GALC):c.1249T>A (p.Phe417Ile)

Gene: GALC (galactosylceramidase; minus strand). Cytogenetic location: 14q31.3.
Variant type: single nucleotide variant.
Coding change: c.1249T>A on transcript NM_000153.4 (MANE Select); coding-DNA position 1249, T replaced by A.
Protein change: p.Phe417Ile; replaces phenylalanine 417 with isoleucine.
Molecular consequence: missense variant. On other transcripts: non-coding transcript variant (1).
Genome position (GRCh38, 1-based): chr14:87,950,661, A>T on the plus strand (T>A on the coding strand, the complement: GALC is on the minus strand). VCF-style: chr14-87950661-A-T. GRCh37 (hg19) VCF-style: chr14-88417005-A-T.
Other names: c.1180T>A, p.Phe394Ile (NM_001201401.2); c.1171T>A, p.Phe391Ile (NM_001201402.2); c.1081T>A, p.Phe361Ile (NM_001424071.1, NM_001424072.1, NM_001424073.1); c.901T>A, p.Phe301Ile (NM_001424074.1, NM_001424075.1); c.616T>A, p.Phe206Ile (NM_001424076.1, NM_001424077.1); short protein forms F301I, F394I, F206I, F391I, F361I, F417I.
Identifiers: ClinVar variation 4722166 (VCV004722166.1).

ClinVar aggregate classification (germline): Uncertain significance (1 of 4 stars; one submission).

Conditions:
Galactosylceramide beta-galactosidase deficiency. Also called: Krabbe Disease; GALACTOCEREBROSIDASE DEFICIENCY; GALC DEFICIENCY; GLOBOID CELL LEUKOENCEPHALOPATHY; Leukodystrophy, Globoid Cell. Identifiers: Orphanet 487, MedGen C0023521, MONDO:0009499, OMIM 245200.

Submission:

Labcorp Genetics (formerly Invitae), Labcorp
Classification: Uncertain significance for Galactosylceramide beta-galactosidase deficiency. Last evaluated: 2025-07-02. Review status: criteria provided, single submitter. Criteria: Invitae Variant Classification Sherloc (09022015). Collection method: clinical testing. Allele origin: germline.
Comment: This sequence change replaces phenylalanine, which is neutral and non-polar, with isoleucine, which is neutral and non-polar, at codon 417 of the GALC protein (p.Phe417Ile). This variant is not present in population databases (gnomAD no frequency). This variant has not been reported in the literature in individuals affected with GALC-related conditions. An algorithm developed to predict the effect of missense changes on protein structure and function (PolyPhen-2) suggests that this variant is likely to be disruptive. In summary, the available evidence is currently insufficient to determine the role of this variant in disease. Therefore, it has been classified as a Variant of Uncertain Significance.